The following is an entry in ClinVar:

NM_000824.5(GLRB):c.1286A>G (p.Asp429Gly)

Gene: GLRB (glycine receptor beta; plus strand). Cytogenetic location: 4q32.1.
Variant type: single nucleotide variant.
Coding change: c.1286A>G on transcript NM_000824.5 (MANE Select); coding-DNA position 1286, A replaced by G.
Protein change: p.Asp429Gly; replaces aspartic acid 429 with glycine.
Molecular consequence: missense variant. On other transcripts: 3 prime UTR variant (1).
Genome position (GRCh38, 1-based): chr4:157,170,520, A>G. VCF-style: chr4-157170520-A-G. GRCh37 (hg19) VCF-style: chr4-158091672-A-G.
Other names: c.1286A>G, p.Asp429Gly (NM_001166060.2); c.*81A>G (NM_001166061.2); short protein forms D429G.
Identifiers: ClinVar variation 1944973 (VCV001944973.3), dbSNP rs2530170149, ClinGen allele CA358645057.
Genomic context (GRCh38, chr4:157,170,520, plus strand): 5'-GTACTTCTAAGTCTGATCTGAGATCTAATGACTTCAGCATTGTTGGAAGCTTACCAAGAG[A>G]TTTTGAACTATCCAATTATGACTGCTATGGAAAACCCATTGAAGTTAACAACGGACTTGG-3'
Protein context (NP_000815.1, residues 419-439): DFSIVGSLPR[Asp429Gly]FELSNYDCYG

ClinVar aggregate classification (germline): Uncertain significance (1 of 4 stars; one submission).

Conditions:
Hyperekplexia 2 (HKPX2). Identifiers: Orphanet 3197, MedGen C3553291, MONDO:0013828, OMIM 614619.

Submission:

Labcorp Genetics (formerly Invitae), Labcorp
Classification: Uncertain significance for Hyperekplexia 2. Last evaluated: 2025-03-18. Review status: criteria provided, single submitter. Criteria: Invitae Variant Classification Sherloc (09022015). Collection method: clinical testing. Allele origin: germline.
Comment: This sequence change replaces aspartic acid, which is acidic and polar, with glycine, which is neutral and non-polar, at codon 429 of the GLRB protein (p.Asp429Gly). This variant is not present in population databases (gnomAD no frequency). This variant has not been reported in the literature in individuals affected with GLRB-related conditions. ClinVar contains an entry for this variant (Variation ID: 1944973). Invitae Evidence Modeling of protein sequence and biophysical properties (such as structural, functional, and spatial information, amino acid conservation, physicochemical variation, residue mobility, and thermodynamic stability) indicates that this missense variant is not expected to disrupt GLRB protein function with a negative predictive value of 80%. In summary, the available evidence is currently insufficient to determine the role of this variant in disease. Therefore, it has been classified as a Variant of Uncertain Significance.